The following is an entry in ClinVar:

NM_000392.5(ABCC2):c.2005_2023del (p.Val669fs)

Gene: ABCC2 (ATP binding cassette subfamily C member 2; plus strand). Cytogenetic location: 10q24.2.
Variant type: Deletion.
Coding change: c.2005_2023del on transcript NM_000392.5 (MANE Select); coding-DNA positions 2005 to 2023, 19 bases deleted (GTGATAGGCCCTGTCGGCT).
Protein change: p.Val669fs; shifts the reading frame from valine 669.
Molecular consequence: frameshift variant.
Genome position (GRCh38, 1-based): chr10:99,813,055-99,813,073, GTGATAGGCCCTGTCGGCT deleted; deleting any 19 consecutive bases within chr10:99,813,051-99,813,073 gives the same sequence; the c. name uses the placement nearest the transcript's 3' end. VCF-style (leftmost placement, unchanged base first): chr10-99813050-TGGCTGTGATAGGCCCTGTC-T. GRCh37 (hg19) VCF-style: chr10-101572807-TGGCTGTGATAGGCCCTGTC-T.
Other names: short protein forms V669fs.
Identifiers: ClinVar variation 4984121 (VCV004984121.1).

ClinVar aggregate classification (germline): Likely pathogenic (1 of 4 stars; one submission).

Conditions:
ABCC2-related disorder. Also called: ABCC2-related condition.

Submission:

PreventionGenetics, part of Exact Sciences
Classification: Likely pathogenic for ABCC2-related condition. Last evaluated: 2026-06-12. Review status: criteria provided, single submitter. Criteria: ACMG Guidelines, 2015. Collection method: clinical testing. Allele origin: germline.
Comment: The ABCC2 c.2005_2023del19 variant is predicted to result in a frameshift and premature protein termination (p.Val669Leufs*6). To our knowledge, this variant has not been reported in the literature. This variant is reported in 0.00088% of alleles in individuals of European (Non-Finnish) descent in gnomAD. Frameshift variants in ABCC2 are expected to be pathogenic. This variant is interpreted as likely pathogenic.